The following is an entry in ClinVar:

NM_001145358.2(SIN3A):c.155C>T (p.Thr52Met)

Gene: SIN3A (SIN3 transcription regulator family member A; minus strand). Cytogenetic location: 15q24.2.
Variant type: single nucleotide variant.
Coding change: c.155C>T on transcript NM_001145358.2 (MANE Select); coding-DNA position 155, C replaced by T.
Protein change: p.Thr52Met; replaces threonine 52 with methionine.
Molecular consequence: missense variant.
Genome position (GRCh38, 1-based): chr15:75,430,221, G>A on the plus strand (C>T on the coding strand, the complement: SIN3A is on the minus strand). VCF-style: chr15-75430221-G-A. GRCh37 (hg19) VCF-style: chr15-75722562-G-A.
Other names: c.155C>T, p.Thr52Met (NM_001145357.2, NM_015477.3); short protein forms T52M.
Identifiers: ClinVar variation 1700913 (VCV001700913.3), dbSNP rs2073992108, ClinGen allele CA393461107.

ClinVar aggregate classification (germline): Uncertain significance. Review status: criteria provided, multiple submitters, no conflicts (2 of 4 stars). 2 submissions from 2 submitters: Uncertain significance (2). Last evaluated 2022-03-21.

Conditions:
SIN3A-related intellectual disability syndrome due to a point mutation. Also called: WITTEVEEN-KOLK SYNDROME; 15q24 Microdeletion Syndrome. Identifiers: Orphanet 500166, Orphanet 94065, MedGen C4310804, MONDO:0044700, OMIM 613406.

Allele frequency attached by ClinVar (database versions not stated): gnomAD exomes below 0.00001; TOPMed below 0.00001.
gnomAD v4.1: 1 of 1,614,092 alleles (0.000062%); highest among the groups gnomAD compares: Non-Finnish European, 0.000085%; no homozygotes.

Submissions (2):

Department of Pathology and Laboratory Medicine, Sinai Health System
Classification: Uncertain significance for SIN3A-related intellectual disability syndrome due to a point mutation. Last evaluated: 2022-03-21. Review status: criteria provided, single submitter. Criteria: ACMG Guidelines, 2015. Collection method: research. Allele origin: germline.

GeneDx
Classification: Uncertain significance. Last evaluated: 2022-02-10. Review status: criteria provided, single submitter. Criteria: GeneDx Variant Classification Process June 2021. Collection method: clinical testing. Allele origin: germline. Affected: yes.
Comment: Not observed at significant frequency in large population cohorts (gnomAD); In silico analysis supports that this missense variant has a deleterious effect on protein structure/function; Has not been previously published as pathogenic or benign to our knowledge